The following is an entry in ClinVar:

ClinVar aggregate classification (germline): Uncertain significance (1 of 4 stars; one submission).

Conditions:
Fanconi anemia (FA). Also called: Fanconi's anemia. Identifiers: Orphanet 84, MedGen C0015625, MeSH D005199, MONDO:0019391.

Allele frequency attached by ClinVar (database versions not stated): gnomAD exomes below 0.00001.
gnomAD v4.1: 2 of 1,612,610 alleles (0.00012%); highest among the groups gnomAD compares: Non-Finnish European, 0.00017%; no homozygotes.

Submission:

Labcorp Genetics (formerly Invitae), Labcorp
Classification: Uncertain significance for Fanconi anemia. Last evaluated: 2021-08-20. Review status: criteria provided, single submitter. Criteria: Invitae Variant Classification Sherloc (09022015). Collection method: clinical testing. Allele origin: germline.
Comment: This sequence change replaces histidine with tyrosine at codon 76 of the FANCL protein (p.His76Tyr). The histidine residue is moderately conserved and there is a moderate physicochemical difference between histidine and tyrosine. This variant is not present in population databases (ExAC no frequency). This variant has not been reported in the literature in individuals affected with FANCL-related conditions. Algorithms developed to predict the effect of missense changes on protein structure and function output the following: SIFT: "Tolerated"; PolyPhen-2: "Benign"; Align-GVGD: "Class C0". The tyrosine amino acid residue is found in multiple mammalian species, which suggests that this missense change does not adversely affect protein function. In summary, the available evidence is currently insufficient to determine the role of this variant in disease. Therefore, it has been classified as a Variant of Uncertain Significance.

NM_018062.4(FANCL):c.226C>T (p.His76Tyr)

Gene: FANCL (FA complementation group L; minus strand). Cytogenetic location: 2p16.1.
Variant type: single nucleotide variant.
Coding change: c.226C>T on transcript NM_018062.4 (MANE Select); coding-DNA position 226, C replaced by T.
Protein change: p.His76Tyr; replaces histidine 76 with tyrosine.
Molecular consequence: missense variant.
Genome position (GRCh38, 1-based): chr2:58,226,775, G>A on the plus strand (C>T on the coding strand, the complement: FANCL is on the minus strand). VCF-style: chr2-58226775-G-A. GRCh37 (hg19) VCF-style: chr2-58453910-G-A.
Other names: c.226C>T, p.His76Tyr (NM_001114636.2, NM_001374615.1, NM_001410792.1); short protein forms H76Y.
Identifiers: ClinVar variation 959714 (VCV000959714.7), dbSNP rs1693047999, ClinGen allele CA347034709.